The following is an entry in ClinVar:

NC_000012.11:g.(?_58189940)_(58190366_?)del

Gene: TSFM (Ts translation elongation factor, mitochondrial; plus strand). Cytogenetic location: 12q14.1.
Variant type: Deletion.
Identifiers: ClinVar variation 3244362 (VCV003244362.1).

ClinVar aggregate classification (germline): Pathogenic (1 of 4 stars; one submission).

Submission:

Labcorp Genetics (formerly Invitae), Labcorp
Classification: Pathogenic. Last evaluated: 2024-01-08. Review status: criteria provided, single submitter. Criteria: Invitae Variant Classification Sherloc (09022015). Collection method: clinical testing. Allele origin: unknown.
Comment: This variant is a gross deletion of the genomic region encompassing exon(s) 7 of the TSFM gene, which includes the termination codon. This deletion extends beyond the assayed region for this gene and therefore may encompass additional genes. While this deletion is not anticipated to lead to nonsense mediated decay, it is expected to alter mRNA translation or result in a truncated protein product. This variant has not been reported in the literature in individuals affected with TSFM-related conditions. This variant disrupts a region of the TSFM protein in which other variant(s) (p.Gln324Argfs*11) have been determined to be pathogenic (Invitae). This suggests that this is a clinically significant region of the protein, and that variants that disrupt it are likely to be disease-causing. For these reasons, this variant has been classified as Pathogenic.